The following is an entry in ClinVar:

NM_201384.3(PLEC):c.2930A>G (p.Gln977Arg)

Gene: PLEC (plectin; minus strand). Cytogenetic location: 8q24.3.
Variant type: single nucleotide variant.
Coding change: c.2930A>G on transcript NM_201384.3 (MANE Select); coding-DNA position 2930, A replaced by G.
Protein change: p.Gln977Arg; replaces glutamine 977 with arginine.
Molecular consequence: missense variant.
Genome position (GRCh38, 1-based): chr8:143,929,565, T>C on the plus strand (A>G on the coding strand, the complement: PLEC is on the minus strand). VCF-style: chr8-143929565-T-C. GRCh37 (hg19) VCF-style: chr8-145003733-T-C.
Other names: c.3011A>G, p.Gln1004Arg (NM_000445.5); c.2888A>G, p.Gln963Arg (NM_201378.4); c.2864A>G, p.Gln955Arg (NM_201379.3); c.3341A>G, p.Gln1114Arg (NM_201380.4); c.2834A>G, p.Gln945Arg (NM_201381.3); c.2930A>G, p.Gln977Arg (NM_201382.4); c.2942A>G, p.Gln981Arg (NM_201383.3); short protein forms Q945R, Q981R, Q1004R, Q955R, Q963R, Q977R, Q1114R.
Identifiers: ClinVar variation 965461 (VCV000965461.7), dbSNP rs782655797, ClinGen allele CA4927283.
Genomic context (GRCh38, chr8:143,929,565, plus strand): 5'-TCCAGCTGCAGCCGGATGTCTTTGAGCTCGGAGATGCAGCGCTGGCAGCGAGACTCTTCC[T>C]GTGCACCTGGGGAACACATGTGGGTCACTCCACCGCCCACCTCGCACCAGCCCAACCGCC-3'
Protein context (NP_958786.1, residues 967-987): QLLQSLEQGA[Gln977Arg]EESRCQRCIS

ClinVar aggregate classification (germline): Uncertain significance (1 of 4 stars; one submission).

Conditions:
Epidermolysis bullosa simplex 5B, with muscular dystrophy (EBS5B). Also called: Epidermolysis bullosa simplex with muscular dystrophy; EPIDERMOLYSIS BULLOSA SIMPLEX AND LIMB-GIRDLE MUSCULAR DYSTROPHY. Identifiers: Orphanet 257, MedGen C2931072, MONDO:0009181, OMIM 226670.
Autosomal recessive limb-girdle muscular dystrophy type 2Q (LGMDR17). Also called: MUSCULAR DYSTROPHY, LIMB-GIRDLE, AUTOSOMAL RECESSIVE 17. Identifiers: Orphanet 254361, MedGen C3150989, MONDO:0013390, OMIM 613723.
Epidermolysis bullosa simplex with nail dystrophy (EBS5D). Identifiers: MedGen C4225309, MONDO:0014661, OMIM 616487.
Epidermolysis bullosa simplex 5C, with pyloric atresia (EBS5C). Also called: PLEC-Related Epidermolysis Bullosa with Pyloric Atresia; Epidermolysis bullosa simplex with pyloric atresia; PLEC1-Related Epidermolysis Bullosa with Pyloric Atresia. Identifiers: Orphanet 158684, MedGen C2677349, MONDO:0012807, OMIM 612138.
Epidermolysis bullosa simplex, Ogna type (EBS5A). Also called: Pidermolysis bullosa simplex 5A, Ogna type; EPIDERMOLYSIS BULLOSA SIMPLEX 5A, OGNA TYPE. Identifiers: Orphanet 79401, MedGen C0432317, MONDO:0007555, OMIM 131950.

Allele frequency attached by ClinVar (database versions not stated): gnomAD exomes below 0.00001; TOPMed below 0.00001; ExAC 0.00001.
gnomAD v4.1: 2 of 1,612,538 alleles (0.00012%); highest among the groups gnomAD compares: Non-Finnish European, 0.00017%; no homozygotes.

Submission:

Labcorp Genetics (formerly Invitae), Labcorp
Classification: Uncertain significance for Autosomal recessive limb-girdle muscular dystrophy type 2Q; Epidermolysis bullosa simplex, Ogna type; Epidermolysis bullosa simplex with nail dystrophy; Epidermolysis bullosa simplex 5C, with pyloric atresia; Epidermolysis bullosa simplex 5B, with muscular dystrophy. Last evaluated: 2026-01-19. Review status: criteria provided, single submitter. Criteria: Invitae Variant Classification Sherloc (09022015). Collection method: clinical testing. Allele origin: germline.
Comment: This sequence change replaces glutamine, which is neutral and polar, with arginine, which is basic and polar, at codon 1004 of the PLEC protein (p.Gln1004Arg). This variant is present in population databases (rs782655797, gnomAD 0.0009%). This variant has not been reported in the literature in individuals affected with PLEC-related conditions. ClinVar contains an entry for this variant (Variation ID: 965461). Invitae Evidence Modeling of protein sequence and biophysical properties (such as structural, functional, and spatial information, amino acid conservation, physicochemical variation, residue mobility, and thermodynamic stability) indicates that this missense variant is not expected to disrupt PLEC protein function with a negative predictive value of 80%. In summary, the available evidence is currently insufficient to determine the role of this variant in disease. Therefore, it has been classified as a Variant of Uncertain Significance.